The following is an entry in ClinVar:

ClinVar aggregate classification (germline): Likely benign (1 of 4 stars; one submission).

Submission:

GeneDx
Classification: Likely benign. Last evaluated: 2017-10-30. Review status: criteria provided, single submitter. Criteria: GeneDx Variant Classification (06012015). Collection method: clinical testing. Allele origin: germline. Affected: yes.
Comment: This variant is considered likely benign or benign based on one or more of the following criteria: it is a conservative change, it occurs at a poorly conserved position in the protein, it is predicted to be benign by multiple in silico algorithms, and/or has population frequency not consistent with disease.

NM_012470.4(TNPO3):c.2406C>G (p.Leu802=)

Gene: TNPO3 (transportin 3; minus strand). Cytogenetic location: 7q32.1.
Variant type: single nucleotide variant.
Coding change: c.2406C>G on transcript NM_012470.4 (MANE Select); coding-DNA position 2406, C replaced by G.
Protein change: p.Leu802=; no amino-acid change (leucine 802 retained).
Molecular consequence: synonymous variant. On other transcripts: non-coding transcript variant (18).
Genome position (GRCh38, 1-based): chr7:128,972,450, G>C on the plus strand (C>G on the coding strand, the complement: TNPO3 is on the minus strand). VCF-style: chr7-128972450-G-C. GRCh37 (hg19) VCF-style: chr7-128612504-G-C.
Other names: c.2214C>G, p.Leu738= (NM_001191028.3, NM_001382223.1); c.2508C>G, p.Leu836= (NM_001382216.1); c.2487C>G, p.Leu829= (NM_001382217.1); c.2406C>G, p.Leu802= (NM_001382218.1); c.2298C>G, p.Leu766= (NM_001382219.1); c.2265C>G, p.Leu755= (NM_001382220.1); c.2262C>G, p.Leu754= (NM_001382221.1); c.2259C>G, p.Leu753= (NM_001382222.1).
Identifiers: ClinVar variation 512952 (VCV000512952.1), dbSNP rs1554435539, ClinGen allele CA457598012.